The following is an entry in ClinVar:

NM_000525.4(KCNJ11):c.1094G>T (p.Arg365Leu)

Gene: KCNJ11 (potassium inwardly rectifying channel subfamily J member 11; minus strand). Cytogenetic location: 11p15.1.
Variant type: single nucleotide variant.
Coding change: c.1094G>T on transcript NM_000525.4 (MANE Select); coding-DNA position 1094, G replaced by T.
Protein change: p.Arg365Leu; replaces arginine 365 with leucine.
Molecular consequence: missense variant.
Genome position (GRCh38, 1-based): chr11:17,386,998, C>A on the plus strand (G>T on the coding strand, the complement: KCNJ11 is on the minus strand). VCF-style: chr11-17386998-C-A. GRCh37 (hg19) VCF-style: chr11-17408545-C-A.
Other names: c.833G>T, p.Arg278Leu (NM_001166290.2, NM_001377296.1, NM_001377297.1); short protein forms R365L, R278L.
Identifiers: ClinVar variation 2798311 (VCV002798311.3), dbSNP rs750689750, ClinGen allele CA379769263.
Genomic context (GRCh38, chr11:17,386,998, plus strand): 5'-GAGATGCTGAACTTGGGCTTGGCCTTGGCCATGGGCACGCTGCGCTTGCGCAGGGGCCCG[C>A]GGGCTGAGGCGAGGGTCAGAGCTTCCAGTAGGCTGTGGTCCTCATCAAGCTGGCGGGCCG-3'
Protein context (NP_000516.3, residues 355-375): LLEALTLASA[Arg365Leu]GPLRKRSVPM

ClinVar aggregate classification (germline): Uncertain significance (1 of 4 stars; one submission).

Submission:

Labcorp Genetics (formerly Invitae), Labcorp
Classification: Uncertain significance. Last evaluated: 2025-11-10. Review status: criteria provided, single submitter. Criteria: Invitae Variant Classification Sherloc (09022015). Collection method: clinical testing. Allele origin: germline.
Comment: This sequence change replaces arginine, which is basic and polar, with leucine, which is neutral and non-polar, at codon 365 of the KCNJ11 protein (p.Arg365Leu). This variant is not present in population databases (gnomAD no frequency). This variant has not been reported in the literature in individuals affected with KCNJ11-related conditions. ClinVar contains an entry for this variant (Variation ID: 2798311). Invitae Evidence Modeling of protein sequence and biophysical properties (such as structural, functional, and spatial information, amino acid conservation, physicochemical variation, residue mobility, and thermodynamic stability) indicates that this missense variant is not expected to disrupt KCNJ11 protein function with a negative predictive value of 95%. In summary, the available evidence is currently insufficient to determine the role of this variant in disease. Therefore, it has been classified as a Variant of Uncertain Significance.